The following is an entry in ClinVar:

ClinVar aggregate classification (germline): Likely benign. Review status: criteria provided, multiple submitters, no conflicts (2 of 4 stars). 8 submissions from 5 submitters: Likely benign (8). Last evaluated 2026-01-20.

Conditions:
Congenital myopathy 18. Also called: Myopathy, congenital, due to dihydropyridine receptor defect; DIHYDROPYRIDINE RECEPTOR CONGENITAL MYOPATHY; DHPR CONGENITAL MYOPATHY. Identifiers: MedGen C5830283, MONDO:0859514, OMIM 620246.
Hypokalemic periodic paralysis, type 1. Also called: Hypokalemic Periodic Paralysis Type 1 (AD); HypoPP. Identifiers: Orphanet 681, MedGen C3714580, MONDO:0042979, OMIM 170400.
Malignant hyperthermia, susceptibility to, 5 (MHS5). Also called: CACNA1S-Related Malignant Hyperthermia Susceptibility. Identifiers: Orphanet 423, MedGen C1866077, MONDO:0011163, OMIM 601887.
Thyrotoxic periodic paralysis, susceptibility to, 1 (TTPP1). Identifiers: Orphanet 79102, MedGen C2749982, MONDO:0008570, OMIM 188580.

Allele frequency attached by ClinVar (database versions not stated): gnomAD exomes 0.00018 and 0.00023; ExAC 0.00027; gnomAD 0.00031 and 0.00035; TOPMed 0.00040; 1000 Genomes Project 0.00060; 1000 Genomes Project 30x 0.00062; ESP Exome Variant Server 0.00069.
gnomAD v4.1: 341 of 1,613,560 alleles (0.021%); highest among the groups gnomAD compares: Middle Eastern, 0.18%; no homozygotes.

Submissions (8):

Labcorp Genetics (formerly Invitae), Labcorp
Classification: Likely benign for Hypokalemic periodic paralysis, type 1; Malignant hyperthermia, susceptibility to, 5. Last evaluated: 2026-01-20. Review status: criteria provided, single submitter. Criteria: Invitae Variant Classification Sherloc (09022015). Collection method: clinical testing. Allele origin: germline.

Blueprint Genetics
Classification: Likely benign. Last evaluated: 2024-11-14. Review status: criteria provided, single submitter. Criteria: ACMG Guidelines, 2015. Collection method: clinical testing. Allele origin: germline.

Genome-Nilou Lab
Classification: Likely benign for Malignant hyperthermia, susceptibility to, 5. Last evaluated: 2023-04-11. Review status: criteria provided, single submitter. Criteria: ACMG Guidelines, 2015. Collection method: clinical testing. Allele origin: germline. Affected: no.

Genome-Nilou Lab
Classification: Likely benign for Thyrotoxic periodic paralysis, susceptibility to, 1. Last evaluated: 2023-04-11. Review status: criteria provided, single submitter. Criteria: ACMG Guidelines, 2015. Collection method: clinical testing. Allele origin: germline. Affected: no.

Genome-Nilou Lab
Classification: Likely benign for Congenital myopathy 18. Last evaluated: 2023-04-11. Review status: criteria provided, single submitter. Criteria: ACMG Guidelines, 2015. Collection method: clinical testing. Allele origin: germline. Affected: no.

Genome-Nilou Lab
Classification: Likely benign for Hypokalemic periodic paralysis, type 1. Last evaluated: 2023-04-11. Review status: criteria provided, single submitter. Criteria: ACMG Guidelines, 2015. Collection method: clinical testing. Allele origin: germline. Affected: no.

GeneDx
Classification: Likely benign. Last evaluated: 2017-05-15. Review status: criteria provided, single submitter. Criteria: GeneDx Variant Classification (06012015). Collection method: clinical testing. Allele origin: germline. Affected: yes.
Comment: This variant is considered likely benign or benign based on one or more of the following criteria: it is a conservative change, it occurs at a poorly conserved position in the protein, it is predicted to be benign by multiple in silico algorithms, and/or has population frequency not consistent with disease.

PreventionGenetics, part of Exact Sciences
Classification: Likely benign. Review status: criteria provided, single submitter. Criteria: ACMG Guidelines, 2015. Collection method: clinical testing. Allele origin: germline.

NM_000069.3(CACNA1S):c.1948+18G>A

Gene: CACNA1S (calcium voltage-gated channel subunit alpha1 S; minus strand). Cytogenetic location: 1q32.1.
Variant type: single nucleotide variant.
Coding change: c.1948+18G>A on transcript NM_000069.3 (MANE Select); 18 bases into the intron after coding-DNA position 1948, G replaced by A.
Molecular consequence: intron variant.
Genome position (GRCh38, 1-based): chr1:201,075,477, C>T on the plus strand (G>A on the coding strand, the complement: CACNA1S is on the minus strand). VCF-style: chr1-201075477-C-T. GRCh37 (hg19) VCF-style: chr1-201044605-C-T.
Identifiers: ClinVar variation 254807 (VCV000254807.11), dbSNP rs113175669, ClinGen allele CA078687.
Genomic context (GRCh38, chr1:201,075,477, plus strand): 5'-ACCCTTGACCCCCATTTTAAGCCCTTTCCCCCACCCCCTCCCTAAGCTCTTTTCTGCACC[C>T]TGCTCCCGAGAGGATACAGTTGCCACAGACGAAAAGGATGATGAAGTAAATGCACACAAG-3'